The following is an entry in ClinVar:

ClinVar aggregate classification (germline): Likely benign. Review status: criteria provided, single submitter (1 of 4 stars). 2 submissions from 2 submitters: Likely benign (1). 1 of the submissions does not count toward it. Last evaluated 2023-05-30.

Conditions:
SORL1-related disorder. Also called: SORL1-related condition.

Allele frequency attached by ClinVar (database versions not stated): TOPMed 0.00006; ExAC 0.00007; gnomAD 0.00007; gnomAD exomes 0.00012; ESP Exome Variant Server 0.00023.
gnomAD v4.1: 184 of 1,614,050 alleles (0.011%); highest among the groups gnomAD compares: Non-Finnish European, 0.015%; no homozygotes.

Submissions (2):

Labcorp Genetics (formerly Invitae), Labcorp
Classification: Likely benign. Last evaluated: 2023-05-30. Review status: criteria provided, single submitter. Criteria: Invitae Variant Classification Sherloc (09022015). Collection method: clinical testing. Allele origin: germline.

PreventionGenetics, part of Exact Sciences
Classification: Likely benign for SORL1-related condition. Last evaluated: 2019-05-23. Review status: no assertion criteria provided. Collection method: clinical testing. Allele origin: germline. Not counted in ClinVar's aggregate classification.
Comment: This variant is classified as likely benign based on ACMG/AMP sequence variant interpretation guidelines (Richards et al. 2015 PMID: 25741868, with internal and published modifications).

NM_003105.6(SORL1):c.6474G>A (p.Leu2158=)

Gene: SORL1 (sortilin related receptor 1; plus strand). Cytogenetic location: 11q24.1.
Variant type: single nucleotide variant.
Coding change: c.6474G>A on transcript NM_003105.6 (MANE Select); coding-DNA position 6474, G replaced by A.
Protein change: p.Leu2158=; no amino-acid change (leucine 2158 retained).
Molecular consequence: synonymous variant.
Genome position (GRCh38, 1-based): chr11:121,627,664, G>A. VCF-style: chr11-121627664-G-A. GRCh37 (hg19) VCF-style: chr11-121498373-G-A.
Other names: c.6474G>A (NM_003105.5).
Identifiers: ClinVar variation 2917276 (VCV002917276.5), dbSNP rs140007815, ClinGen allele CA6330271.